The following is an entry in ClinVar:

ClinVar aggregate classification (germline): Pathogenic (1 of 4 stars; one submission).

Conditions:
Hereditary cancer-predisposing syndrome. Also called: Neoplastic Syndromes, Hereditary; Tumor predisposition; Hereditary Cancer Syndrome; Hereditary neoplastic syndrome. Identifiers: Orphanet 140162, MedGen C0027672, MeSH D009386, MONDO:0015356.

Submission:

Ambry Genetics
Classification: Pathogenic for Hereditary cancer-predisposing syndrome. Last evaluated: 2020-12-16. Review status: criteria provided, single submitter. Criteria: Ambry Variant Classification Scheme 2023. Collection method: clinical testing. Allele origin: germline.
Comment: The c.1226_1230delAAGAC pathogenic mutation, located in coding exon 14 of the CDC73 gene, results from a deletion of 5 nucleotides at nucleotide positions 1226 to 1230, causing a translational frameshift with a predicted alternate stop codon (p.K409Tfs*10). This alteration is expected to result in loss of function by premature protein truncation or nonsense-mediated mRNA decay. As such, this alteration is interpreted as a disease-causing mutation.

NM_024529.5(CDC73):c.1226_1230del (p.Lys409fs)

Gene: CDC73 (cell division cycle 73; plus strand). Cytogenetic location: 1q31.2.
Variant type: Deletion.
Coding change: c.1226_1230del on transcript NM_024529.5 (MANE Select); coding-DNA positions 1226 to 1230, 5 bases deleted (AAGAC; older notation c.1226_1230delAAGAC).
Protein change: p.Lys409fs; shifts the reading frame from lysine 409.
Molecular consequence: frameshift variant.
Genome position (GRCh38, 1-based): chr1:193,233,064-193,233,068, AAGAC deleted. VCF-style (leftmost placement, unchanged base first): chr1-193233063-AAAGAC-A. GRCh37 (hg19) VCF-style: chr1-193202193-AAAGAC-A.
Other names: short protein forms K409fs.
Identifiers: ClinVar variation 1754215 (VCV001754215.2), dbSNP rs2527493922, ClinGen allele CA2580061755.